The following is an entry in ClinVar:

ClinVar aggregate classification (germline): Conflicting classifications of pathogenicity. Review status: criteria provided, conflicting classifications (1 of 4 stars). 2 submissions from 2 submitters: Pathogenic (1); Uncertain significance (1). Last evaluated 2024-04-25.

Conditions:
Idiopathic generalized epilepsy. Also called: Generalised epilepsy; EIG. Identifiers: MedGen C0270850, MONDO:0005579, OMIM 600669.
Epilepsy, idiopathic generalized, susceptibility to, 13. Also called: EPILEPSY, JUVENILE MYOCLONIC, SUSCEPTIBILITY TO, 5. Identifiers: Orphanet 307, Orphanet 64280, MedGen C4013473, MONDO:0012627, OMIM 611136.
Epilepsy, childhood absence 4 (ECA4). Also called: EPILEPSY, CHILDHOOD ABSENCE, SUSCEPTIBILITY TO, 4. Identifiers: Orphanet 307, MedGen C1970160.

Submissions (2):

Labcorp Genetics (formerly Invitae), Labcorp
Classification: Uncertain significance for Epilepsy, childhood absence 4; Epilepsy, idiopathic generalized, susceptibility to, 13; Idiopathic generalized epilepsy. Last evaluated: 2024-04-25. Review status: criteria provided, single submitter. Criteria: Invitae Variant Classification Sherloc (09022015). Collection method: clinical testing. Allele origin: germline.
Comment: This sequence change replaces aspartic acid, which is acidic and polar, with histidine, which is basic and polar, at codon 90 of the GABRA1 protein (p.Asp90His). This variant is not present in population databases (gnomAD no frequency). This missense change has been observed in individual(s) with epilepsy (PMID: 29655203, 33767182). ClinVar contains an entry for this variant (Variation ID: 205517). Advanced modeling of protein sequence and biophysical properties (such as structural, functional, and spatial information, amino acid conservation, physicochemical variation, residue mobility, and thermodynamic stability) performed at Invitae indicates that this missense variant is expected to disrupt GABRA1 protein function with a positive predictive value of 95%. Algorithms developed to predict the effect of sequence changes on RNA splicing suggest that this variant may create or strengthen a splice site. In summary, the available evidence is currently insufficient to determine the role of this variant in disease. Therefore, it has been classified as a Variant of Uncertain Significance.

GeneDx
Classification: Pathogenic. Last evaluated: 2013-06-13. Review status: criteria provided, single submitter. Criteria: GeneDx Variant Classification (06012015). Collection method: clinical testing. Allele origin: germline. Affected: yes.
Comment: p.Asp90His (GAT>CAT): c.268 G>C in exon 6 of the GABRA1 gene (NM_000806.5). The Asp90His missense change has not been published as a mutation, nor has it been reported as a benign polymorphism to our knowledge. It was not observed in approximately 6,500 individuals of European and African American ancestry in the NHLBI Exome Sequencing Project, indicating it is not a common benign variant in these populations. Asp90His is a non-conservative amino acid substitution as a negatively charged Aspartic acid residue is replaced by a positively charged Histidine residue. The change occurs at a highly conserved position in the extracellular domain of the GABRA1 protein, and multiple in silico algorithms predict that Asp90His is possibly damaging to the structure/function of the GABRA1 protein. Based on the currently available information, Asp90His is a strong candidate for a disease-causing mutation, although the possibility that it is a benign variant cannot be excluded. The variant is found in EPILEPSY panel(s).

Literature cited by the submitters: PubMed 29655203 (cited by Labcorp Genetics (formerly Invitae), Labcorp); PubMed 33767182 (cited by Labcorp Genetics (formerly Invitae), Labcorp).

NM_001127644.2(GABRA1):c.268G>C (p.Asp90His)

Gene: GABRA1 (gamma-aminobutyric acid type A receptor subunit alpha1; plus strand). Cytogenetic location: 5q34.
Variant type: single nucleotide variant.
Coding change: c.268G>C on transcript NM_001127644.2 (MANE Select); coding-DNA position 268, G replaced by C.
Protein change: p.Asp90His; replaces aspartic acid 90 with histidine.
Molecular consequence: missense variant.
Genome position (GRCh38, 1-based): chr5:161,873,129, G>C. VCF-style: chr5-161873129-G-C. GRCh37 (hg19) VCF-style: chr5-161300135-G-C.
Other names: p.D90H:GAT>CAT; c.268G>C, p.Asp90His (NM_000806.5, NM_001127643.2, NM_001127645.2 and 1 more transcripts); short protein forms D90H.
Identifiers: ClinVar variation 205517 (VCV000205517.4), dbSNP rs796052488, ClinGen allele CA314664.